The following is an entry in ClinVar:

ClinVar aggregate classification (germline): Uncertain significance. Review status: criteria provided, multiple submitters, no conflicts (2 of 4 stars). 2 submissions from 2 submitters: Uncertain significance (2). Last evaluated 2024-02-07.

Conditions:
Bardet-Biedl syndrome (BBS). Identifiers: Orphanet 110, MedGen C0752166, MONDO:0015229.
Bardet-Biedl syndrome 10 (BBS10). Identifiers: Orphanet 110, MedGen C1859568, MONDO:0014438, OMIM 615987.

Allele frequency attached by ClinVar (database versions not stated): TOPMed 0.00001.
gnomAD v4.1: 2 of 1,613,016 alleles (0.00012%); highest among the groups gnomAD compares: African/African-American, 0.0027%; no homozygotes.

Submissions (2):

Fulgent Genetics
Classification: Uncertain significance for Bardet-Biedl syndrome 10. Last evaluated: 2024-02-07. Review status: criteria provided, single submitter. Criteria: ACMG Guidelines, 2015. Collection method: clinical testing. Allele origin: germline.

Labcorp Genetics (formerly Invitae), Labcorp
Classification: Uncertain significance for Bardet-Biedl syndrome. Last evaluated: 2021-10-11. Review status: criteria provided, single submitter. Criteria: Invitae Variant Classification Sherloc (09022015). Collection method: clinical testing. Allele origin: germline.
Comment: In summary, the available evidence is currently insufficient to determine the role of this variant in disease. Therefore, it has been classified as a Variant of Uncertain Significance. Algorithms developed to predict the effect of missense changes on protein structure and function (SIFT, PolyPhen-2, Align-GVGD) all suggest that this variant is likely to be tolerated. This variant has not been reported in the literature in individuals affected with BBS10-related conditions. This variant is not present in population databases (ExAC no frequency). This sequence change replaces histidine with tyrosine at codon 302 of the BBS10 protein (p.His302Tyr). The histidine residue is weakly conserved and there is a moderate physicochemical difference between histidine and tyrosine.

NM_024685.4(BBS10):c.904C>T (p.His302Tyr)

Gene: BBS10 (Bardet-Biedl syndrome 10; minus strand). Cytogenetic location: 12q21.2.
Variant type: single nucleotide variant.
Coding change: c.904C>T on transcript NM_024685.4 (MANE Select); coding-DNA position 904, C replaced by T.
Protein change: p.His302Tyr; replaces histidine 302 with tyrosine.
Molecular consequence: missense variant.
Genome position (GRCh38, 1-based): chr12:76,347,081, G>A on the plus strand (C>T on the coding strand, the complement: BBS10 is on the minus strand). VCF-style: chr12-76347081-G-A. GRCh37 (hg19) VCF-style: chr12-76740861-G-A.
Other names: short protein forms H302Y.
Identifiers: ClinVar variation 1400062 (VCV001400062.5), dbSNP rs954562822, ClinGen allele CA239332161.